The following is an entry in ClinVar:

NM_001364905.1(LRBA):c.5149G>A (p.Val1717Met)

Gene: LRBA (LPS responsive beige-like anchor protein; minus strand). Cytogenetic location: 4q31.3.
Variant type: single nucleotide variant.
Coding change: c.5149G>A on transcript NM_001364905.1 (MANE Select); coding-DNA position 5149, G replaced by A.
Protein change: p.Val1717Met; replaces valine 1717 with methionine.
Molecular consequence: missense variant.
Genome position (GRCh38, 1-based): chr4:150,828,202, C>T on the plus strand (G>A on the coding strand, the complement: LRBA is on the minus strand). VCF-style: chr4-150828202-C-T. GRCh37 (hg19) VCF-style: chr4-151749354-C-T.
Other names: c.5149G>A, p.Val1717Met (NM_001199282.3, NM_001367550.1, NM_006726.5); short protein forms V1717M.
Identifiers: ClinVar variation 540385 (VCV000540385.25), dbSNP rs143003767, ClinGen allele CA3102571.

ClinVar aggregate classification (germline): Uncertain significance. Review status: criteria provided, multiple submitters, no conflicts (2 of 4 stars). 2 submissions from 2 submitters: Uncertain significance (2). Last evaluated 2024-08-01.

Conditions:
Combined immunodeficiency due to LRBA deficiency. Also called: Common variable immunodeficiency 8, with autoimmunity. Identifiers: Orphanet 445018, MedGen C3553512, MONDO:0013863, OMIM 614700.

Allele frequency attached by ClinVar (database versions not stated): gnomAD 0.00006; ESP Exome Variant Server 0.00008; TOPMed 0.00008; gnomAD exomes 0.00010 and 0.00020; ExAC 0.00019; 1000 Genomes Project 0.00120; 1000 Genomes Project 30x 0.00141.
gnomAD v4.1: 169 of 1,613,988 alleles (0.01%); highest among the groups gnomAD compares: South Asian, 0.088%; no homozygotes.

Submissions (2):

CeGaT Center for Human Genetics Tuebingen
Classification: Uncertain significance. Last evaluated: 2024-08-01. Review status: criteria provided, single submitter. Criteria: CeGaT Center For Human Genetics Tuebingen Variant Classification Criteria Version 2. Collection method: clinical testing. Allele origin: germline. Affected: yes. Observed: 1 variant allele.
Comment: LRBA: PM2, BP4

Labcorp Genetics (formerly Invitae), Labcorp
Classification: Uncertain significance for Combined immunodeficiency due to LRBA deficiency. Last evaluated: 2022-09-29. Review status: criteria provided, single submitter. Criteria: Invitae Variant Classification Sherloc (09022015). Collection method: clinical testing. Allele origin: germline.
Comment: This sequence change replaces valine, which is neutral and non-polar, with methionine, which is neutral and non-polar, at codon 1717 of the LRBA protein (p.Val1717Met). This variant is present in population databases (rs143003767, gnomAD 0.1%). This variant has not been reported in the literature in individuals affected with LRBA-related conditions. ClinVar contains an entry for this variant (Variation ID: 540385). Algorithms developed to predict the effect of missense changes on protein structure and function output the following: SIFT: "Tolerated"; PolyPhen-2: "Benign"; Align-GVGD: "Class C0". The methionine amino acid residue is found in multiple mammalian species, which suggests that this missense change does not adversely affect protein function. In summary, the available evidence is currently insufficient to determine the role of this variant in disease. Therefore, it has been classified as a Variant of Uncertain Significance.